The following is an entry in ClinVar:

NM_004370.6(COL12A1):c.5552G>T (p.Arg1851Ile)

Gene: COL12A1 (collagen type XII alpha 1 chain; minus strand). Cytogenetic location: 6q13.
Variant type: single nucleotide variant.
Coding change: c.5552G>T on transcript NM_004370.6 (MANE Select); coding-DNA position 5552, G replaced by T.
Protein change: p.Arg1851Ile; replaces arginine 1851 with isoleucine.
Molecular consequence: missense variant.
Genome position (GRCh38, 1-based): chr6:75,133,970, C>A on the plus strand (G>T on the coding strand, the complement: COL12A1 is on the minus strand). VCF-style: chr6-75133970-C-A. GRCh37 (hg19) VCF-style: chr6-75843686-C-A.
Other names: c.5552G>T, p.Arg1851Ile (NM_001424113.1); c.5531G>T, p.Arg1844Ile (NM_001424114.1); c.5279G>T, p.Arg1760Ile (NM_001424115.1); c.2060G>T, p.Arg687Ile (NM_001424116.1, NM_080645.3); short protein forms R1844I, R687I, R1760I, R1851I.
Identifiers: ClinVar variation 4788713 (VCV004788713.1).

ClinVar aggregate classification (germline): Uncertain significance (1 of 4 stars; one submission).

Conditions:
Ullrich congenital muscular dystrophy 2 (UCMD2). Identifiers: Orphanet 75840, MedGen C4225314, MONDO:0014654, OMIM 616470.
Bethlem myopathy 2 (BTHLM2). Identifiers: Orphanet 536516, Orphanet 610, MedGen C4225313, MONDO:0034022, OMIM 616471.

gnomAD v4.1: 3 of 1,613,954 alleles (0.00019%); highest among the groups gnomAD compares: Non-Finnish European, 0.00025%; no homozygotes.

Submission:

Labcorp Genetics (formerly Invitae), Labcorp
Classification: Uncertain significance for Bethlem myopathy 2; Ullrich congenital muscular dystrophy 2. Last evaluated: 2025-02-20. Review status: criteria provided, single submitter. Criteria: Invitae Variant Classification Sherloc (09022015). Collection method: clinical testing. Allele origin: germline.
Comment: This sequence change replaces arginine, which is basic and polar, with isoleucine, which is neutral and non-polar, at codon 1851 of the COL12A1 protein (p.Arg1851Ile). This variant is not present in population databases (gnomAD no frequency). This variant has not been reported in the literature in individuals affected with COL12A1-related conditions. Invitae Evidence Modeling of protein sequence and biophysical properties (such as structural, functional, and spatial information, amino acid conservation, physicochemical variation, residue mobility, and thermodynamic stability) indicates that this missense variant is not expected to disrupt COL12A1 protein function with a negative predictive value of 80%. In summary, the available evidence is currently insufficient to determine the role of this variant in disease. Therefore, it has been classified as a Variant of Uncertain Significance.